The following is an entry in ClinVar:

NM_015267.4(CUX2):c.3196+9C>T

Gene: CUX2 (cut like homeobox 2; plus strand). Cytogenetic location: 12q24.12.
Variant type: single nucleotide variant.
Coding change: c.3196+9C>T on transcript NM_015267.4 (MANE Select); 9 bases into the intron after coding-DNA position 3196, C replaced by T.
Molecular consequence: intron variant.
Genome position (GRCh38, 1-based): chr12:111,334,719, C>T. VCF-style: chr12-111334719-C-T. GRCh37 (hg19) VCF-style: chr12-111772523-C-T.
Other names: c.3010+9C>T (NM_001370598.1).
Identifiers: ClinVar variation 3033927 (VCV003033927.3), dbSNP rs370860262, ClinGen allele CA6789050.

ClinVar aggregate classification (germline): Likely benign. Review status: criteria provided, single submitter (1 of 4 stars). 2 submissions from 2 submitters: Likely benign (1). 1 of the submissions does not count toward it. Last evaluated 2024-10-25.

Conditions:
CUX2-related disorder. Also called: CUX2-related condition.

Allele frequency attached by ClinVar (database versions not stated): ExAC 0.00007; gnomAD exomes 0.00012; TOPMed 0.00012; gnomAD 0.00019.
gnomAD v4.1: 202 of 1,585,440 alleles (0.013%); highest among the groups gnomAD compares: Middle Eastern, 0.053%; no homozygotes.

Submissions (2):

Blueprint Genetics
Classification: Likely benign. Last evaluated: 2024-10-25. Review status: criteria provided, single submitter. Criteria: ACMG Guidelines, 2015. Collection method: clinical testing. Allele origin: germline.

PreventionGenetics, part of Exact Sciences
Classification: Likely benign for CUX2-related condition. Last evaluated: 2019-06-07. Review status: no assertion criteria provided. Collection method: clinical testing. Allele origin: germline. Not counted in ClinVar's aggregate classification.
Comment: This variant is classified as likely benign based on ACMG/AMP sequence variant interpretation guidelines (Richards et al. 2015 PMID: 25741868, with internal and published modifications).